The following is an entry in ClinVar:

NM_001283009.2(RTEL1):c.3058G>C (p.Glu1020Gln)

Genes: RTEL1 (regulator of telomere elongation helicase 1; plus strand), RTEL1-TNFRSF6B (RTEL1-TNFRSF6B readthrough (NMD candidate); plus strand). Cytogenetic location: 20q13.33.
Variant type: single nucleotide variant.
Coding change: c.3058G>C on transcript NM_001283009.2 (MANE Select); coding-DNA position 3058, G replaced by C.
Protein change: p.Glu1020Gln; replaces glutamic acid 1020 with glutamine.
Molecular consequence: missense variant. On other transcripts: non-coding transcript variant (1).
Genome position (GRCh38, 1-based): chr20:63,694,437, G>C. VCF-style: chr20-63694437-G-C. GRCh37 (hg19) VCF-style: chr20-62325790-G-C.
Other names: c.2389G>C, p.Glu797Gln (NM_001283010.1); c.3058G>C, p.Glu1020Gln (NM_016434.4); c.3130G>C, p.Glu1044Gln (NM_032957.5); short protein forms E1020Q, E797Q, E1044Q.
Identifiers: ClinVar variation 1897511 (VCV001897511.6), dbSNP rs771746222, ClinGen allele CA409684547.

ClinVar aggregate classification (germline): Uncertain significance. Review status: criteria provided, multiple submitters, no conflicts (2 of 4 stars). 2 submissions from 2 submitters: Uncertain significance (2). Last evaluated 2025-07-03.

Conditions:
Inborn genetic diseases. Identifiers: MedGen C0950123, MeSH D030342.
Dyskeratosis congenita, autosomal recessive 5 (DKCB5). Identifiers: MedGen C3554656, MONDO:0014076, OMIM 615190.
Pulmonary fibrosis and/or bone marrow failure, Telomere-related, 3. Also called: PULMONARY FIBROSIS AND/OR BONE MARROW FAILURE SYNDROME, TELOMERE-RELATED, 3. Identifiers: Orphanet 2032, MedGen C4225346, MONDO:0014613, OMIM 616373.

gnomAD v4.1: 5 of 1,612,244 alleles (0.00031%); highest among the groups gnomAD compares: Non-Finnish European, 0.00042%; no homozygotes.

Submissions (2):

Ambry Genetics
Classification: Uncertain significance for Inborn genetic diseases. Last evaluated: 2025-07-03. Review status: criteria provided, single submitter. Criteria: Ambry Variant Classification Scheme 2023. Collection method: clinical testing. Allele origin: germline.
Comment: The p.E1020Q variant (also known as c.3058G>C), located in coding exon 30 of the RTEL1 gene, results from a G to C substitution at nucleotide position 3058. The glutamic acid at codon 1020 is replaced by glutamine, an amino acid with highly similar properties. This amino acid position is conserved. In addition, this alteration is predicted to be tolerated by in silico analysis. Based on the available evidence, the clinical significance of this variant remains unclear.

Labcorp Genetics (formerly Invitae), Labcorp
Classification: Uncertain significance for Dyskeratosis congenita, autosomal recessive 5; Pulmonary fibrosis and/or bone marrow failure, Telomere-related, 3. Last evaluated: 2022-08-07. Review status: criteria provided, single submitter. Criteria: Invitae Variant Classification Sherloc (09022015). Collection method: clinical testing. Allele origin: germline.
Comment: In summary, the available evidence is currently insufficient to determine the role of this variant in disease. Therefore, it has been classified as a Variant of Uncertain Significance. Algorithms developed to predict the effect of missense changes on protein structure and function output the following: SIFT: "Tolerated"; PolyPhen-2: "Benign"; Align-GVGD: "Class C0". The glutamine amino acid residue is found in multiple mammalian species, which suggests that this missense change does not adversely affect protein function. This variant has not been reported in the literature in individuals affected with RTEL1-related conditions. This variant is not present in population databases (gnomAD no frequency). This sequence change replaces glutamic acid, which is acidic and polar, with glutamine, which is neutral and polar, at codon 1020 of the RTEL1 protein (p.Glu1020Gln).